The following is an entry in ClinVar:

ClinVar aggregate classification (germline): Uncertain significance (1 of 4 stars; one submission).

Conditions:
Idiopathic generalized epilepsy. Also called: Generalised epilepsy; EIG. Identifiers: MedGen C0270850, MONDO:0005579, OMIM 600669.
Hyperaldosteronism, familial, type IV (HALD4). Also called: FH IV; ALDOSTERONISM, PRIMARY, AND HYPERTENSION. Identifiers: Orphanet 642671, MedGen C4310756, MONDO:0014875, OMIM 617027.

Submission:

Labcorp Genetics (formerly Invitae), Labcorp
Classification: Uncertain significance for Idiopathic generalized epilepsy; Hyperaldosteronism, familial, type IV. Last evaluated: 2023-05-15. Review status: criteria provided, single submitter. Criteria: Invitae Variant Classification Sherloc (09022015). Collection method: clinical testing. Allele origin: germline.
Comment: This sequence change replaces leucine, which is neutral and non-polar, with phenylalanine, which is neutral and non-polar, at codon 1979 of the CACNA1H protein (p.Leu1979Phe). This variant is not present in population databases (gnomAD no frequency). This variant has not been reported in the literature in individuals affected with CACNA1H-related conditions. ClinVar contains an entry for this variant (Variation ID: 1722042). Algorithms developed to predict the effect of missense changes on protein structure and function output the following: SIFT: "Not Available"; PolyPhen-2: "Benign"; Align-GVGD: "Not Available". The phenylalanine amino acid residue is found in multiple mammalian species, which suggests that this missense change does not adversely affect protein function. In summary, the available evidence is currently insufficient to determine the role of this variant in disease. Therefore, it has been classified as a Variant of Uncertain Significance.

NM_021098.3(CACNA1H):c.5935C>T (p.Leu1979Phe)

Gene: CACNA1H (calcium voltage-gated channel subunit alpha1 H; plus strand). Cytogenetic location: 16p13.3.
Variant type: single nucleotide variant.
Coding change: c.5935C>T on transcript NM_021098.3 (MANE Select); coding-DNA position 5935, C replaced by T.
Protein change: p.Leu1979Phe; replaces leucine 1979 with phenylalanine.
Molecular consequence: missense variant.
Genome position (GRCh38, 1-based): chr16:1,219,017, C>T. VCF-style: chr16-1219017-C-T. GRCh37 (hg19) VCF-style: chr16-1269017-C-T.
Other names: c.5917C>T, p.Leu1973Phe (NM_001005407.2); short protein forms L1973F, L1979F.
Identifiers: ClinVar variation 1722042 (VCV001722042.5), dbSNP rs1442428826, ClinGen allele CA394148194.